The following is an entry in ClinVar:

NM_024832.5(RIN3):c.440+9077A>G

Genes: RIN3 (Ras and Rab interactor 3; plus strand), LOC126862026 (MED14-independent group 3 enhancer GRCh37_chr14:93090702-93091901; plus strand). Cytogenetic location: 14q32.12.
Variant type: single nucleotide variant.
Coding change: c.440+9077A>G on transcript NM_024832.5 (MANE Select); 9077 bases into the intron after coding-DNA position 440, A replaced by G.
Molecular consequence: intron variant.
Genome position (GRCh38, 1-based): chr14:92,624,556, A>G. VCF-style: chr14-92624556-A-G. GRCh37 (hg19) VCF-style: chr14-93090901-A-G.
Other names: c.215+9077A>G (NM_001319987.2).
Identifiers: ClinVar variation 4085061 (VCV004085061.8).

ClinVar aggregate classification (germline): Benign (1 of 4 stars; one submission).

gnomAD v4.1: 1,535 of 152,324 alleles (1%); highest among the groups gnomAD compares: Non-Finnish European, 1.5%; 11 homozygotes.

Submission:

CeGaT Center for Human Genetics Tuebingen
Classification: Benign. Last evaluated: 2025-06-01. Review status: criteria provided, single submitter. Criteria: CeGaT Center For Human Genetics Tuebingen Variant Classification Criteria Version 2. Collection method: clinical testing. Allele origin: germline. Affected: yes. Observed: 1 variant allele.
Comment: ENSG00000293569: BS1, BS2